The following is an entry in ClinVar:

NM_001271.4(CHD2):c.2792A>G (p.Lys931Arg)

Gene: CHD2 (chromodomain helicase DNA binding protein 2; plus strand). Cytogenetic location: 15q26.1.
Variant type: single nucleotide variant.
Coding change: c.2792A>G on transcript NM_001271.4 (MANE Select); coding-DNA position 2792, A replaced by G.
Protein change: p.Lys931Arg; replaces lysine 931 with arginine.
Molecular consequence: missense variant.
Genome position (GRCh38, 1-based): chr15:92,979,199, A>G. VCF-style: chr15-92979199-A-G. GRCh37 (hg19) VCF-style: chr15-93522429-A-G.
Other names: short protein forms K931R.
Identifiers: ClinVar variation 421634 (VCV000421634.14), dbSNP rs753058189, ClinGen allele CA7748071.

ClinVar aggregate classification (germline): Likely benign. Review status: criteria provided, multiple submitters, no conflicts (2 of 4 stars). 3 submissions from 3 submitters: Likely benign (3). Last evaluated 2026-06-12.

Conditions:
Developmental and epileptic encephalopathy 94 (DEE94). Also called: CHD2-Related Neurodevelopmental Disorders; Epileptic encephalopathy, childhood-onset. Identifiers: Orphanet 1942, Orphanet 2382, MedGen C3809278, MONDO:0014150, OMIM 615369.

Allele frequency attached by ClinVar (database versions not stated): gnomAD exomes 0.00001 and 0.00004; gnomAD 0.00009 and 0.00008; TOPMed 0.00008; ExAC 0.00001.
gnomAD v4.1: 35 of 1,614,034 alleles (0.0022%); highest among the groups gnomAD compares: Admixed American, 0.033%; no homozygotes.

Submissions (3):

Women's Health and Genetics/Laboratory Corporation of America, LabCorp
Classification: Likely benign. Last evaluated: 2026-06-12. Review status: criteria provided, single submitter. Criteria: LabCorp Variant Classification Summary - May 2015. Collection method: clinical testing. Allele origin: germline.
Comment: Variant summary: CHD2 c.2792A>G (p.Lys931Arg) results in a conservative amino acid change in the encoded protein sequence. Algorithms developed to predict the effect of missense changes on protein structure and function are either unavailable or do not agree on the potential impact of this missense change. The variant allele was found at a frequency of 4.4e-05 in 251302 control chromosomes. As the Maximum pathogenic allele frequency has not been established for this early onset and severe disorder associated with this gene, this frequency may exceed the allele frequency estimated for disease-causing variants in CHD2. To our knowledge, no occurrence of c.2792A>G in individuals affected with CHD2-related conditions and no experimental evidence demonstrating its impact on protein function have been reported. ClinVar contains an entry for this variant (Variation ID: 421634). Based on the evidence outlined above, the variant was classified as likely benign.

Labcorp Genetics (formerly Invitae), Labcorp
Classification: Likely benign for Developmental and epileptic encephalopathy 94. Last evaluated: 2025-12-05. Review status: criteria provided, single submitter. Criteria: Invitae Variant Classification Sherloc (09022015). Collection method: clinical testing. Allele origin: germline.

GeneDx
Classification: Likely benign. Last evaluated: 2021-01-12. Review status: criteria provided, single submitter. Criteria: GeneDx Variant Classification Process June 2021. Collection method: clinical testing. Allele origin: germline. Affected: yes.